The following is an entry in ClinVar:

ClinVar aggregate classification (germline): Uncertain significance. Review status: criteria provided, multiple submitters, no conflicts (2 of 4 stars). 2 submissions from 2 submitters: Uncertain significance (2). Last evaluated 2022-12-21.

Conditions:
Mucopolysaccharidosis, MPS-III-A (MPS3A). Also called: HEPARAN SULFATE SULFATASE DEFICIENCY; SANFILIPPO SYNDROME A; SULFAMIDASE DEFICIENCY; MUCOPOLYSACCHARIDOSIS, TYPE IIIA, ATTENUATED; Mucopolysaccharidosis, type IIIA; mucopolysaccharidosis type 3A. Identifiers: Orphanet 581, Orphanet 79269, MedGen C0086647, MONDO:0009655, OMIM 252900.

gnomAD v4.1: 12 of 1,522,996 alleles (0.00079%); highest among the groups gnomAD compares: Non-Finnish European, 0.0011%; no homozygotes.

Submissions (2):

Blueprint Genetics
Classification: Uncertain significance. Last evaluated: 2022-12-21. Review status: criteria provided, single submitter. Criteria: ACMG Guidelines, 2015. Collection method: clinical testing. Allele origin: germline.

Labcorp Genetics (formerly Invitae), Labcorp
Classification: Uncertain significance for Mucopolysaccharidosis, MPS-III-A. Last evaluated: 2022-01-15. Review status: criteria provided, single submitter. Criteria: Invitae Variant Classification Sherloc (09022015). Collection method: clinical testing. Allele origin: germline.
Comment: This sequence change replaces arginine, which is basic and polar, with glycine, which is neutral and non-polar, at codon 23 of the SGSH protein (p.Arg23Gly). This variant is not present in population databases (gnomAD no frequency). This variant has not been reported in the literature in individuals affected with SGSH-related conditions. Advanced modeling of protein sequence and biophysical properties (such as structural, functional, and spatial information, amino acid conservation, physicochemical variation, residue mobility, and thermodynamic stability) performed at Invitae indicates that this missense variant is expected to disrupt SGSH protein function. In summary, the available evidence is currently insufficient to determine the role of this variant in disease. Therefore, it has been classified as a Variant of Uncertain Significance.

NM_000199.5(SGSH):c.67C>G (p.Arg23Gly)

Gene: SGSH (N-sulfoglucosamine sulfohydrolase; minus strand). Cytogenetic location: 17q25.3.
Variant type: single nucleotide variant.
Coding change: c.67C>G on transcript NM_000199.5 (MANE Select); coding-DNA position 67, C replaced by G.
Protein change: p.Arg23Gly; replaces arginine 23 with glycine.
Molecular consequence: missense variant. On other transcripts: non-coding transcript variant (1).
Genome position (GRCh38, 1-based): chr17:80,220,247, G>C on the plus strand (C>G on the coding strand, the complement: SGSH is on the minus strand). VCF-style: chr17-80220247-G-C. GRCh37 (hg19) VCF-style: chr17-78194046-G-C.
Other names: c.67C>G, p.Arg23Gly (NM_001352921.3, NM_001352922.2); short protein forms R23G.
Identifiers: ClinVar variation 2414753 (VCV002414753.4), dbSNP rs529571746, ClinGen allele CA401365491.
Genomic context (GRCh38, chr17:80,220,247, plus strand): 5'-CACCGCAGGTGGGCGTGGGGGGGCGGCGCCGGCACTCACCGAGGAGCAGCAGTGCGTTCC[G>C]GGGACGCGCCCGGCAGAGCCCCAGGACTAGCAGCAGCGCGCAGCAGGCGGGCACGGGGCA-3'
Protein context (NP_000190.1, residues 13-33): LVLGLCRARP[Arg23Gly]NALLLLADDG